The following is an entry in ClinVar:

NM_000179.3(MSH6):c.3246G>C (p.Pro1082=)

Gene: MSH6 (mutS homolog 6; plus strand). Cytogenetic location: 2p16.3.
Variant type: single nucleotide variant.
Coding change: c.3246G>C on transcript NM_000179.3 (MANE Select); coding-DNA position 3246, G replaced by C.
Protein change: p.Pro1082=; no amino-acid change (proline 1082 retained).
Molecular consequence: synonymous variant.
Genome position (GRCh38, 1-based): chr2:47,803,493, G>C. VCF-style: chr2-47803493-G-C. GRCh37 (hg19) VCF-style: chr2-48030632-G-C.
Other names: c.2856G>C, p.Pro952= (NM_001281492.2); c.2340G>C, p.Pro780= (NM_001281493.2, NM_001281494.2).
Identifiers: ClinVar variation 186212 (VCV000186212.25), dbSNP rs3136351, ClinGen allele CA012154.
Genomic context (GRCh38, chr2:47,803,493, plus strand): 5'-CCTGGCTAACTATAGTCGAGGGGGTGATGGTCCTATGTGTCGCCCAGTAATTCTGTTGCC[G>C]GAAGATACCCCCCCCTTCTTAGAGCTTAAAGGATCACGCCATCCTTGCATTACGAAGACT-3'
Protein context (NP_000170.1, residues 1072-1092): GPMCRPVILL[Pro1082=]EDTPPFLELK

ClinVar aggregate classification (germline): Conflicting classifications of pathogenicity. Review status: criteria provided, conflicting classifications (1 of 4 stars). 9 submissions from 9 submitters: Uncertain significance (1); Benign (2); Likely benign (5). 1 of the submissions does not count toward it. Last evaluated 2026-01-05.

Conditions:
Hereditary nonpolyposis colorectal neoplasms. Identifiers: MedGen C0009405, MeSH D003123.
Hereditary cancer-predisposing syndrome. Also called: Tumor predisposition; Neoplastic Syndromes, Hereditary; Hereditary neoplastic syndrome; Hereditary Cancer Syndrome. Identifiers: Orphanet 140162, MedGen C0027672, MeSH D009386, MONDO:0015356.
Lynch syndrome. Identifiers: Orphanet 144, MedGen C4552100, MONDO:0005835. Disease mechanism: loss of function.
Lynch syndrome 5 (LYNCH5). Also called: Colorectal cancer, hereditary nonpolyposis, type 5; Hereditary non-polyposis colorectal cancer, type 5. Identifiers: Orphanet 144, MedGen C1833477, MONDO:0013710, OMIM 614350. Disease mechanism: loss of function.

Allele frequency attached by ClinVar (database versions not stated): TOPMed 0.00002.
gnomAD v4.1: 37 of 1,613,914 alleles (0.0023%); highest among the groups gnomAD compares: Middle Eastern, 0.016%; no homozygotes.

Submissions (9):

Labcorp Genetics (formerly Invitae), Labcorp
Classification: Benign for Hereditary nonpolyposis colorectal neoplasms. Last evaluated: 2026-01-05. Review status: criteria provided, single submitter. Criteria: Invitae Variant Classification Sherloc (09022015). Collection method: clinical testing. Allele origin: germline.

Blueprint Genetics
Classification: Likely benign. Last evaluated: 2024-04-12. Review status: criteria provided, single submitter. Criteria: ACMG Guidelines, 2015. Collection method: clinical testing. Allele origin: germline.

All of Us Research Program, National Institutes of Health
Classification: Likely benign for Lynch syndrome. Last evaluated: 2023-12-01. Review status: criteria provided, single submitter. Criteria: ACMG Guidelines, 2015. Collection method: clinical testing. Allele origin: germline. Inheritance: Autosomal dominant inheritance. Observed: 7 variant alleles, 7 heterozygotes.
Comment: This study involves interpretation of variants in research participants for the purpose of population health screening. Participant phenotype was not available at the time of variant classification. Additional details can be found in publication PMID: 35346344, PMCID: PMC8962531

Myriad Genetics, Inc.
Classification: Benign for Lynch syndrome 5. Last evaluated: 2023-03-28. Review status: criteria provided, single submitter. Criteria: Myriad Autosomal Dominant, Autosomal Recessive and X-Linked Classification Criteria (2023). Collection method: clinical testing. Allele origin: unknown.
Comment: This variant is considered benign. This variant is a silent/synonymous amino acid change and it is not expected to impact splicing.

Women's Health and Genetics/Laboratory Corporation of America, LabCorp
Classification: Likely benign. Last evaluated: 2020-01-31. Review status: criteria provided, single submitter. Criteria: LabCorp Variant Classification Summary - May 2015. Collection method: clinical testing. Allele origin: germline.

Department of Pathology and Laboratory Medicine, Sinai Health System
Classification: Uncertain significance for Lynch syndrome. Last evaluated: 2019-10-16. Review status: criteria provided, single submitter. Criteria: ACMG Guidelines, 2015. Collection method: clinical testing. Allele origin: germline. Affected: yes.

Color Diagnostics, LLC DBA Color Health
Classification: Likely benign for Hereditary cancer-predisposing syndrome. Last evaluated: 2016-05-16. Review status: criteria provided, single submitter. Criteria: ACMG Guidelines, 2015. Collection method: clinical testing. Allele origin: germline.

Ambry Genetics
Classification: Likely benign for Hereditary cancer-predisposing syndrome. Last evaluated: 2014-09-15. Review status: criteria provided, single submitter. Criteria: Ambry Variant Classification Scheme 2023. Collection method: clinical testing. Allele origin: germline.

Counsyl
Classification: Likely benign for Lynch syndrome 5. Last evaluated: 2016-02-10. Review status: no assertion criteria provided. Collection method: clinical testing. Allele origin: unknown. Not counted in ClinVar's aggregate classification.